The following is an entry in ClinVar:

NM_001385012.1(NBEA):c.4676A>G (p.Gln1559Arg)

Gene: NBEA (neurobeachin; plus strand). Cytogenetic location: 13q13.3.
Variant type: single nucleotide variant.
Coding change: c.4676A>G on transcript NM_001385012.1 (MANE Select); coding-DNA position 4676, A replaced by G.
Protein change: p.Gln1559Arg; replaces glutamine 1559 with arginine.
Molecular consequence: missense variant.
Genome position (GRCh38, 1-based): chr13:35,182,373, A>G. VCF-style: chr13-35182373-A-G. GRCh37 (hg19) VCF-style: chr13-35756510-A-G.
Other names: c.4667A>G, p.Gln1556Arg (NM_001379245.1); c.4676A>G, p.Gln1559Arg (NM_015678.5); short protein forms Q1556R, Q1559R.
Identifiers: ClinVar variation 1723714 (VCV001723714.2), dbSNP rs2503987542, ClinGen allele CA387832713.

ClinVar aggregate classification (germline): Uncertain significance (1 of 4 stars; one submission).

Submission:

GeneDx
Classification: Uncertain significance. Last evaluated: 2022-04-22. Review status: criteria provided, single submitter. Criteria: GeneDx Variant Classification Process June 2021. Collection method: clinical testing. Allele origin: germline. Affected: yes.
Comment: Not observed at significant frequency in large population cohorts (gnomAD); In silico analysis supports that this missense variant has a deleterious effect on protein structure/function; Has not been previously published as pathogenic or benign to our knowledge